The following is an entry in ClinVar:

ClinVar aggregate classification (germline): Benign/Likely benign. Review status: criteria provided, multiple submitters, no conflicts (2 of 4 stars). 5 submissions from 5 submitters: Benign (4); Likely benign (1). Last evaluated 2026-01-28.

Conditions:
Elliptocytosis 1 (EL1). Also called: 4.1- TRAIT; 4.1-MINUS TRAIT; ELLIPTOCYTOSIS, RHESUS-LINKED TYPE; PROTEIN 4.1 OF ERYTHROCYTE MEMBRANE, DEFECT OF. Identifiers: Orphanet 288, MedGen C2678497, MONDO:0012731, OMIM 611804.

Allele frequency attached by ClinVar (database versions not stated): 1000 Genomes Project 0.01558; 1000 Genomes Project 30x 0.01718; gnomAD 0.02894; TOPMed 0.03405; ExAC 0.03407; gnomAD exomes 0.03452; ESP Exome Variant Server 0.03783.
gnomAD v4.1: 68,907 of 1,613,946 alleles (4.3%); highest among the groups gnomAD compares: Middle Eastern, 6.4%; 1,701 homozygotes.

Submissions (5):

Labcorp Genetics (formerly Invitae), Labcorp
Classification: Benign. Last evaluated: 2026-01-28. Review status: criteria provided, single submitter. Criteria: Invitae Variant Classification Sherloc (09022015). Collection method: clinical testing. Allele origin: germline.

ARUP Laboratories, Molecular Genetics and Genomics, ARUP Laboratories
Classification: Benign for Elliptocytosis 1. Last evaluated: 2025-07-28. Review status: criteria provided, single submitter. Criteria: ARUP Molecular Germline Variant Investigation Process 2024. Collection method: clinical testing. Allele origin: germline.

Blueprint Genetics
Classification: Likely benign. Last evaluated: 2024-11-26. Review status: criteria provided, single submitter. Criteria: ACMG Guidelines, 2015. Collection method: clinical testing. Allele origin: germline.

Mayo Clinic Laboratories, Mayo Clinic
Classification: Benign. Last evaluated: 2022-06-07. Review status: criteria provided, single submitter. Criteria: ACMG Guidelines, 2015. Collection method: clinical testing. Allele origin: germline. Observed: 186 variant alleles.
Comment: BA1, BP4_strong

Breakthrough Genomics
Classification: Benign. Review status: criteria provided, single submitter. Criteria: ACMG Guidelines, 2015. Collection method: not provided. Allele origin: germline. Inheritance: Autosomal dominant inheritance. Affected: yes.

NM_001376013.1(EPB41):c.640G>A (p.Val214Ile)

Gene: EPB41 (erythrocyte membrane protein band 4.1; plus strand). Cytogenetic location: 1p35.3.
Variant type: single nucleotide variant.
Coding change: c.640G>A on transcript NM_001376013.1 (MANE Select); coding-DNA position 640, G replaced by A.
Protein change: p.Val214Ile; replaces valine 214 with isoleucine.
Molecular consequence: missense variant.
Genome position (GRCh38, 1-based): chr1:28,993,501, G>A. VCF-style: chr1-28993501-G-A. GRCh37 (hg19) VCF-style: chr1-29320013-G-A.
Other names: p.Val214Ile; c.640G>A (NM_001166005.1); c.640G>A, p.Val214Ile (NM_001166005.2, NM_001166006.2, NM_001376014.1 and 8 more transcripts); c.13G>A, p.Val5Ile (NM_001166007.2, NM_001376022.1, NM_001376023.1 and 7 more transcripts); short protein forms V214I, V5I.
Identifiers: ClinVar variation 811532 (VCV000811532.25), dbSNP rs111642750, ClinGen allele CA724256.